The following is an entry in ClinVar:

ClinVar aggregate classification (germline): Uncertain significance. Review status: criteria provided, multiple submitters, no conflicts (2 of 4 stars). 3 submissions from 3 submitters: Uncertain significance (2). 1 of the submissions does not count toward it. Last evaluated 2024-05-18.

Conditions:
Hereditary cancer-predisposing syndrome. Also called: Tumor predisposition; Hereditary neoplastic syndrome; Hereditary Cancer Syndrome; Neoplastic Syndromes, Hereditary. Identifiers: Orphanet 140162, MedGen C0027672, MeSH D009386, MONDO:0015356.
Fumarase deficiency (FMRD). Also called: Fumarate Hydratase Deficiency; Fumaric aciduria. Identifiers: Orphanet 24, MedGen C0342770, MONDO:0011730, OMIM 606812.

Allele frequency attached by ClinVar (database versions not stated): gnomAD exomes 0.00001.
gnomAD v4.1: 3 of 1,613,528 alleles (0.00019%); highest among the groups gnomAD compares: Non-Finnish European, 0.00025%; no homozygotes.

Submissions (3):

Labcorp Genetics (formerly Invitae), Labcorp
Classification: Uncertain significance. Last evaluated: 2024-05-18. Review status: criteria provided, single submitter. Criteria: Invitae Variant Classification Sherloc (09022015). Collection method: clinical testing. Allele origin: germline.
Comment: This sequence change replaces alanine, which is neutral and non-polar, with threonine, which is neutral and polar, at codon 220 of the FH protein (p.Ala220Thr). This variant is present in population databases (rs747135440, gnomAD 0.002%). This variant has not been reported in the literature in individuals affected with FH-related conditions. ClinVar contains an entry for this variant (Variation ID: 1449608). Advanced modeling of protein sequence and biophysical properties (such as structural, functional, and spatial information, amino acid conservation, physicochemical variation, residue mobility, and thermodynamic stability) performed at Invitae indicates that this missense variant is not expected to disrupt FH protein function with a negative predictive value of 80%. In summary, the available evidence is currently insufficient to determine the role of this variant in disease. Therefore, it has been classified as a Variant of Uncertain Significance.

Ambry Genetics
Classification: Uncertain significance for Hereditary cancer-predisposing syndrome. Last evaluated: 2023-06-23. Review status: criteria provided, single submitter. Criteria: Ambry Variant Classification Scheme 2023. Collection method: clinical testing. Allele origin: germline.
Comment: The p.A220T variant (also known as c.658G>A), located in coding exon 5 of the FH gene, results from a G to A substitution at nucleotide position 658. The alanine at codon 220 is replaced by threonine, an amino acid with similar properties. This amino acid position is well conserved in available vertebrate species. In addition, the in silico prediction for this alteration is inconclusive. Since supporting evidence is limited at this time, the clinical significance of this alteration remains unclear.

Natera, Inc.
Classification: Uncertain significance for Fumarase Deficiency. Last evaluated: 2025-04-02. Review status: no assertion criteria provided. Collection method: clinical testing. Allele origin: germline. Not counted in ClinVar's aggregate classification.

NM_000143.4(FH):c.658G>A (p.Ala220Thr)

Gene: FH (fumarate hydratase; minus strand). Cytogenetic location: 1q43.
Variant type: single nucleotide variant.
Coding change: c.658G>A on transcript NM_000143.4 (MANE Select); coding-DNA position 658, G replaced by A.
Protein change: p.Ala220Thr; replaces alanine 220 with threonine.
Molecular consequence: missense variant.
Genome position (GRCh38, 1-based): chr1:241,508,683, C>T on the plus strand (G>A on the coding strand, the complement: FH is on the minus strand). VCF-style: chr1-241508683-C-T. GRCh37 (hg19) VCF-style: chr1-241671983-C-T.
Other names: c.658G>A (NM_000143.3); short protein forms A220T.
Identifiers: ClinVar variation 1449608 (VCV001449608.9), dbSNP rs747135440, ClinGen allele CA1478639.